The following is an entry in ClinVar:

NM_000038.6(APC):c.5986del (p.Gln1996fs)

Gene: APC (APC regulator of WNT signaling pathway; plus strand). Cytogenetic location: 5q22.2.
Variant type: Deletion.
Coding change: c.5986del on transcript NM_000038.6 (MANE Select); coding-DNA position 5986, one base deleted (C; older notation c.5986delC).
Protein change: p.Gln1996fs; shifts the reading frame from glutamine 1996.
Molecular consequence: frameshift variant.
Genome position (GRCh38, 1-based): chr5:112,841,580, C deleted. VCF-style (leftmost placement, unchanged base first): chr5-112841579-AC-A. GRCh37 (hg19) VCF-style: chr5-112177276-AC-A.
Other names: c.5986del, p.Gln1996fs (NM_001127510.3, NM_001354895.2); c.5932del, p.Gln1978fs (NM_001127511.3); c.6040del, p.Gln2014fs (NM_001354896.2); c.6016del, p.Gln2006fs (NM_001354897.2); c.5911del, p.Gln1971fs (NM_001354898.2); c.5902del, p.Gln1968fs (NM_001354899.2); c.5863del, p.Gln1955fs (NM_001354900.2); c.5809del, p.Gln1937fs (NM_001354901.2); and 5 more; short protein forms Q1713fs, Q1836fs, Q1895fs, Q1996fs, Q2006fs, Q1937fs, Q1955fs, Q1968fs.
Identifiers: ClinVar variation 801038 (VCV000801038.2), dbSNP rs1580666429, ClinGen allele CA915943504.

ClinVar aggregate classification (germline): Pathogenic (1 of 4 stars; one submission).

Submission:

Quest Diagnostics Nichols Institute San Juan Capistrano
Classification: Pathogenic. Last evaluated: 2019-05-07. Review status: criteria provided, single submitter. Criteria: Quest Diagnostics criteria. Collection method: clinical testing. Allele origin: germline.
Comment: The variant results in a shift of the reading frame, and is therefore predicted to result in the loss of a functional protein. Found in at least one symptomatic patient, and not found in general population data.